The following is an entry in ClinVar:

NM_031885.5(BBS2):c.2T>G (p.Met1Arg)

Gene: BBS2 (Bardet-Biedl syndrome 2; minus strand). Cytogenetic location: 16q13.
Variant type: single nucleotide variant.
Coding change: c.2T>G on transcript NM_031885.5 (MANE Select); coding-DNA position 2, T replaced by G.
Protein change: p.Met1Arg; changes the start codon (methionine 1).
Molecular consequence: missense variant, initiator codon variant. On other transcripts: non-coding transcript variant (5).
Genome position (GRCh38, 1-based): chr16:56,519,861, A>C on the plus strand (T>G on the coding strand, the complement: BBS2 is on the minus strand). VCF-style: chr16-56519861-A-C. GRCh37 (hg19) VCF-style: chr16-56553773-A-C.
Other names: c.2T>G, p.Met1Arg (NM_001377456.1); short protein forms M1R.
Identifiers: ClinVar variation 3369636 (VCV003369636.1).

ClinVar aggregate classification (germline): Pathogenic (1 of 4 stars; one submission).

Submission:

GeneDx
Classification: Pathogenic. Last evaluated: 2024-02-28. Review status: criteria provided, single submitter. Criteria: GeneDx Variant Classification Process June 2021. Collection method: clinical testing. Allele origin: germline. Affected: yes.
Comment: Initiation codon variant in a gene for which loss of function is a known mechanism of disease; Not observed at significant frequency in large population cohorts (gnomAD); This variant is associated with the following publications: (PMID: 37031301)